The following is an entry in ClinVar:

ClinVar aggregate classification (germline): Uncertain significance. Review status: criteria provided, multiple submitters, no conflicts (2 of 4 stars). 4 submissions from 4 submitters: Uncertain significance (4). Last evaluated 2024-12-02.

Conditions:
Inborn genetic diseases. Identifiers: MedGen C0950123, MeSH D030342.
Developmental and epileptic encephalopathy, 25 (DEE25). Also called: Epileptic encephalopathy, early infantile, 25; Developmental and epileptic encephalopathy 25, with amelogenesis imperfecta; Epileptic encephalopathy, early infantile, 25, with amelogenesis imperfecta. Identifiers: Orphanet 442835, MedGen C4014621, MONDO:0014392, OMIM 615905.

Allele frequency attached by ClinVar (database versions not stated): TOPMed 0.00001; gnomAD 0.00003 and 0.00004; ExAC 0.00004; gnomAD exomes 0.00005.
gnomAD v4.1: 78 of 1,613,752 alleles (0.0048%); highest among the groups gnomAD compares: South Asian, 0.026%; no homozygotes.

Submissions (4):

Labcorp Genetics (formerly Invitae), Labcorp
Classification: Uncertain significance for Developmental and epileptic encephalopathy, 25. Last evaluated: 2024-12-02. Review status: criteria provided, single submitter. Criteria: Invitae Variant Classification Sherloc (09022015). Collection method: clinical testing. Allele origin: germline.
Comment: This sequence change replaces threonine, which is neutral and polar, with methionine, which is neutral and non-polar, at codon 113 of the SLC13A5 protein (p.Thr113Met). This variant is present in population databases (rs759069275, gnomAD 0.03%). This variant has not been reported in the literature in individuals affected with SLC13A5-related conditions. ClinVar contains an entry for this variant (Variation ID: 451860). Invitae Evidence Modeling of protein sequence and biophysical properties (such as structural, functional, and spatial information, amino acid conservation, physicochemical variation, residue mobility, and thermodynamic stability) indicates that this missense variant is not expected to disrupt SLC13A5 protein function with a negative predictive value of 80%. In summary, the available evidence is currently insufficient to determine the role of this variant in disease. Therefore, it has been classified as a Variant of Uncertain Significance.

Ambry Genetics
Classification: Uncertain significance for Inborn genetic diseases. Last evaluated: 2024-08-05. Review status: criteria provided, single submitter. Criteria: Ambry Variant Classification Scheme 2023. Collection method: clinical testing. Allele origin: germline.

Genome-Nilou Lab
Classification: Uncertain significance for Developmental and epileptic encephalopathy, 25. Last evaluated: 2021-07-15. Review status: criteria provided, single submitter. Criteria: ACMG Guidelines, 2015. Collection method: clinical testing. Allele origin: germline. Affected: no.

GeneDx
Classification: Uncertain significance. Last evaluated: 2018-10-15. Review status: criteria provided, single submitter. Criteria: GeneDx Variant Classification (06012015). Collection method: clinical testing. Allele origin: germline. Affected: yes.
Comment: A variant of uncertain significance has been identified in the SLC13A5 gene. The T113M variant has not been published as a pathogenic variant, nor has it been reported as a benign variant to our knowledge. The T113M variant is observed in 9/30668 (0.03%) alleles from individuals of South Asian background (Lek et al., 2016). In-silico analyses, including protein predictors and evolutionary conservation, support that this variant does not alter protein structure/function. However, the T113M variant is a non-conservative amino acid substitution, which is likely to impact secondary protein structure as these residues differ in polarity, charge, size and/or other properties. Therefore, based on the currently available information, it is unclear whether this variant is a pathogenic variant or a rare benign variant.

NM_177550.5(SLC13A5):c.338C>T (p.Thr113Met)

Gene: SLC13A5 (solute carrier family 13 member 5; minus strand). Cytogenetic location: 17p13.1.
Variant type: single nucleotide variant.
Coding change: c.338C>T on transcript NM_177550.5 (MANE Select); coding-DNA position 338, C replaced by T.
Protein change: p.Thr113Met; replaces threonine 113 with methionine.
Molecular consequence: missense variant.
Genome position (GRCh38, 1-based): chr17:6,706,672, G>A on the plus strand (C>T on the coding strand, the complement: SLC13A5 is on the minus strand). VCF-style: chr17-6706672-G-A. GRCh37 (hg19) VCF-style: chr17-6609991-G-A.
Other names: c.338C>T, p.Thr113Met (NM_001143838.3, NM_001284509.2); c.209C>T, p.Thr70Met (NM_001284510.2); c.338C>T (NM_177550.3); short protein forms T113M, T70M.
Identifiers: ClinVar variation 451860 (VCV000451860.14), dbSNP rs759069275, ClinGen allele CA8331773.